The following is an entry in ClinVar:

ClinVar aggregate classification (germline): Benign. Review status: reviewed by expert panel (3 of 4 stars). 17 submissions from 17 submitters: Benign (1). 16 of the submissions do not count toward it. Last evaluated 2025-04-21.

Conditions:
Mucopolysaccharidosis type 1. Also called: Mucopolysaccharidosis Type I; IDUA deficiency; MPS I. Identifiers: Orphanet 579, MedGen C0023786, MONDO:0001586.
Nephrolithiasis, calcium oxalate. Also called: Calcium oxalate urolithiasis. Identifiers: MedGen C1833683, MONDO:0957318, HP:0008672.
Hurler syndrome. Also called: Gargoylism, Hurler Syndrome; Severe MPS I (Hurler Syndrome); MUCOPOLYSACCHARIDOSIS TYPE IH. Identifiers: Orphanet 93473, MedGen C0086795, MONDO:0011758, OMIM 607014.

Allele frequency attached by ClinVar (database versions not stated): 1000 Genomes Project 30x 0.00468; 1000 Genomes Project 0.00559; ESP Exome Variant Server 0.00639; TOPMed 0.00671; gnomAD 0.00924 and 0.00927; gnomAD exomes 0.01008; ExAC 0.01666.
gnomAD v4.1: 14,986 of 1,566,936 alleles (0.96%); highest among the groups gnomAD compares: Middle Eastern, 2.7%; 119 homozygotes.

Submissions (17):

ClinGen Lysosomal Storage Disorder Variant Curation Expert Panel
Classification: Benign for Mucopolysaccharidosis type 1. Last evaluated: 2025-04-21. Review status: reviewed by expert panel. Criteria: ClinGen LSD ACMG Specifications IDUA V1.0.0. Collection method: curation. Allele origin: germline. Inheritance: Autosomal recessive inheritance.
Comment: The NM_000203.5:c.299+6C>T variant in IDUA alters a nucleotide in the region of the donor splice site of intron 2. The filtering allele frequency (the lower threshold of the 95% CI of 14986/1566936) of the c.299+6C>T variant in IDUA is 0.02373 in the Middle Eastern population chromosomes by gnomAD v4.1.0., which is higher than the ClinGen Lysosomal Diseases VCEP’s threshold for BA1 (>0.005), and therefore meets this criterion (BA1). There is a ClinVar entry for this variant (Variation ID: 92640). In summary, this variant meets the criteria to be classified as benign for mucopolysaccharidosis type I. IDUA-specific ACMG/AMP criteria applied, as specified by the ClinGen LD VCEP (Specifications Version 1.0.0.): BA1 (Classification approved by the ClinGen Lysosomal Diseases Variant Curation Expert Panel on April 21, 2025).

CeGaT Center for Human Genetics Tuebingen
Classification: Benign. Last evaluated: 2026-10-01. Review status: criteria provided, single submitter. Criteria: CeGaT Center For Human Genetics Tuebingen Variant Classification Criteria Version 2. Collection method: clinical testing. Allele origin: germline. Affected: yes. Observed: 44 variant alleles. Not counted in ClinVar's aggregate classification.
Comment: SLC26A1: BP4, BS1, BS2; IDUA: BP4, BS1, BS2

Labcorp Genetics (formerly Invitae), Labcorp
Classification: Benign for Mucopolysaccharidosis type 1. Last evaluated: 2026-02-04. Review status: criteria provided, single submitter. Criteria: Invitae Variant Classification Sherloc (09022015). Collection method: clinical testing. Allele origin: germline. Not counted in ClinVar's aggregate classification.

Genomic Medicine Center of Excellence, King Faisal Specialist Hospital and Research Centre
Classification: Likely benign. Last evaluated: 2025-08-18. Review status: criteria provided, single submitter. Criteria: ACMG Guidelines, 2015. Collection method: clinical testing. Allele origin: germline. Not counted in ClinVar's aggregate classification.

Fulgent Genetics
Classification: Benign for Nephrolithiasis susceptibility caused by SLC26A1. Last evaluated: 2022-04-16. Review status: criteria provided, single submitter. Criteria: ACMG Guidelines, 2015. Collection method: clinical testing. Allele origin: unknown. Not counted in ClinVar's aggregate classification.

GeneDx
Classification: Benign. Last evaluated: 2020-03-12. Review status: criteria provided, single submitter. Criteria: GeneDx Variant Classification Process June 2021. Collection method: clinical testing. Allele origin: germline. Affected: yes. Not counted in ClinVar's aggregate classification.
Comment: This variant is associated with the following publications: (PMID: 22976768, 19839758, 27884173, 27238910)

Women's Health and Genetics/Laboratory Corporation of America, LabCorp
Classification: Benign. Last evaluated: 2019-07-29. Review status: criteria provided, single submitter. Criteria: LabCorp Variant Classification Summary - May 2015. Collection method: clinical testing. Allele origin: germline. Not counted in ClinVar's aggregate classification.
Comment: Variant summary: IDUA c.299+6C>T alters a non-conserved nucleotide located close to a canonical splice site and therefore could affect mRNA splicing, leading to a significantly altered protein sequence. 5/5 computational tools predict no significant impact on normal splicing. However, these predictions have yet to be confirmed by functional studies. The variant allele was found at a frequency of 0.01 in 172956 control chromosomes in the gnomAD database, including 20 homozygotes. The observed variant frequency is approximately 4 fold of the estimated maximal expected allele frequency for a pathogenic variant in IDUA causing Mucopolysaccharidosis Type 1 phenotype (0.0027), strongly suggesting that the variant is benign. Two clinical diagnostic laboratories have submitted clinical-significance assessments for this variant to ClinVar after 2014 without evidence for independent evaluation, and classified the variant as likely benign. Based on the evidence outlined above, the variant was classified as benign.

Mendelics
Classification: Benign for Hurler syndrome. Last evaluated: 2019-05-28. Review status: criteria provided, single submitter. Criteria: Mendelics Assertion Criteria 2017. Collection method: clinical testing. Allele origin: unknown. Not counted in ClinVar's aggregate classification.

Illumina Laboratory Services, Illumina
Classification: Benign for Mucopolysaccharidosis type 1. Last evaluated: 2018-03-06. Review status: criteria provided, single submitter. Criteria: ICSL Variant Classification Criteria 13 December 2019. Collection method: clinical testing. Allele origin: germline. Not counted in ClinVar's aggregate classification.
Comment: This variant was observed in the ICSL laboratory as part of a predisposition screen in an ostensibly healthy population. It had not been previously curated by ICSL or reported in the Human Gene Mutation Database (HGMD: prior to June 1st, 2018), and was therefore a candidate for classification through an automated scoring system. Utilizing variant allele frequency, disease prevalence and penetrance estimates, and inheritance mode, an automated score was calculated to assess if this variant is too frequent to cause the disease. Based on the score and internal cut-off values, a variant classified as benign is not then subjected to further curation. The score for this variant resulted in a classification of benign for this disease.

Eurofins Ntd Llc (ga)
Classification: Benign. Last evaluated: 2014-03-26. Review status: criteria provided, single submitter. Criteria: EGL Classification Definitions 2015. Collection method: clinical testing. Allele origin: germline. Observed: 6 variant alleles, 5 heterozygotes, 1 homozygote. Not counted in ClinVar's aggregate classification.

Breakthrough Genomics
Classification: Benign. Review status: criteria provided, single submitter. Criteria: ACMG Guidelines, 2015. Collection method: not provided. Allele origin: germline. Inheritance: Autosomal recessive inheritance. Affected: yes. Not counted in ClinVar's aggregate classification.

PreventionGenetics, part of Exact Sciences
Classification: Benign. Review status: criteria provided, single submitter. Criteria: ACMG Guidelines, 2015. Collection method: clinical testing. Allele origin: germline. Not counted in ClinVar's aggregate classification.

Mayo Clinic Laboratories, Mayo Clinic
Classification: Likely benign. Last evaluated: 2018-01-05. Review status: no assertion criteria provided. Collection method: clinical testing. Allele origin: unknown. Not counted in ClinVar's aggregate classification.

Clinical Genetics DNA and cytogenetics Diagnostics Lab, Erasmus MC, Erasmus Medical Center
Classification: Benign. Review status: no assertion criteria provided. Collection method: clinical testing. Allele origin: germline. Affected: yes. Study: VKGL Data-share Consensus. Not counted in ClinVar's aggregate classification.

Diagnostic Laboratory, Department of Genetics, University Medical Center Groningen
Classification: Benign. Review status: no assertion criteria provided. Collection method: clinical testing. Allele origin: germline. Affected: yes. Study: VKGL Data-share Consensus. Not counted in ClinVar's aggregate classification.

Genome Diagnostics Laboratory, University Medical Center Utrecht
Classification: Benign. Review status: no assertion criteria provided. Collection method: clinical testing. Allele origin: germline. Affected: yes. Study: VKGL Data-share Consensus. Not counted in ClinVar's aggregate classification.

Laboratory of Diagnostic Genome Analysis, Leiden University Medical Center (LUMC)
Classification: Likely benign. Review status: no assertion criteria provided. Collection method: clinical testing. Allele origin: germline. Affected: yes. Study: VKGL Data-share Consensus. Not counted in ClinVar's aggregate classification.

NM_000203.5(IDUA):c.299+6C>T

Genes: IDUA (alpha-L-iduronidase; plus strand), SLC26A1 (solute carrier family 26 member 1; minus strand). Cytogenetic location: 4p16.3.
Variant type: single nucleotide variant.
Coding change: c.299+6C>T on transcript NM_000203.5 (MANE Select); 6 bases into the intron after coding-DNA position 299, C replaced by T.
Molecular consequence: intron variant. On other transcripts: 3 prime UTR variant (2).
Genome position (GRCh38, 1-based): chr4:987,955, C>T. VCF-style: chr4-987955-C-T. GRCh37 (hg19) VCF-style: chr4-981743-C-T.
Other names: NM_022042.4(SLC26A1):c.*878G>A; c.*878G>A (NM_022042.4, NM_213613.4); c.576+3173G>A (NM_134425.4).
Identifiers: ClinVar variation 92640 (VCV000092640.55), dbSNP rs147498923, ClinGen allele CA145880.